The following is an entry in ClinVar:

ClinVar aggregate classification (germline): Uncertain significance. Review status: criteria provided, multiple submitters, no conflicts (2 of 4 stars). 2 submissions from 2 submitters: Uncertain significance (2). Last evaluated 2025-12-02.

Conditions:
Joubert syndrome. Also called: JOUBERT-BOLTSHAUSER SYNDROME; Familial aplasia of the vermis. Identifiers: Orphanet 475, MedGen C5979921, MONDO:0018772.
Meckel-Gruber syndrome. Also called: Dysencephalia splachnocystica; GRUBER SYNDROME; DYSENCEPHALIA SPLANCHNOCYSTICA. Identifiers: Orphanet 564, MedGen C0265215, MONDO:0018921.

Allele frequency attached by ClinVar (database versions not stated): gnomAD exomes below 0.00001 and 0.00001.
gnomAD v4.1: 3 of 1,613,968 alleles (0.00019%); highest among the groups gnomAD compares: South Asian, 0.0022%; no homozygotes.

Submissions (2):

Labcorp Genetics (formerly Invitae), Labcorp
Classification: Uncertain significance for Joubert syndrome; Meckel-Gruber syndrome. Last evaluated: 2025-12-02. Review status: criteria provided, single submitter. Criteria: Invitae Variant Classification Sherloc (09022015). Collection method: clinical testing. Allele origin: germline.
Comment: This sequence change replaces proline, which is neutral and non-polar, with leucine, which is neutral and non-polar, at codon 149 of the RPGRIP1L protein (p.Pro149Leu). This variant is present in population databases (no rsID available, gnomAD 0.003%). This variant has not been reported in the literature in individuals affected with RPGRIP1L-related conditions. ClinVar contains an entry for this variant (Variation ID: 866243). Invitae Evidence Modeling of protein sequence and biophysical properties (such as structural, functional, and spatial information, amino acid conservation, physicochemical variation, residue mobility, and thermodynamic stability) indicates that this missense variant is not expected to disrupt RPGRIP1L protein function with a negative predictive value of 80%. In summary, the available evidence is currently insufficient to determine the role of this variant in disease. Therefore, it has been classified as a Variant of Uncertain Significance.

Blueprint Genetics
Classification: Uncertain significance. Last evaluated: 2018-12-16. Review status: criteria provided, single submitter. Criteria: ACMG Guidelines, 2015. Collection method: clinical testing. Allele origin: germline.

NM_015272.5(RPGRIP1L):c.446C>T (p.Pro149Leu)

Gene: RPGRIP1L (RPGRIP1 like; minus strand). Cytogenetic location: 16q12.2.
Variant type: single nucleotide variant.
Coding change: c.446C>T on transcript NM_015272.5 (MANE Select); coding-DNA position 446, C replaced by T.
Protein change: p.Pro149Leu; replaces proline 149 with leucine.
Molecular consequence: missense variant.
Genome position (GRCh38, 1-based): chr16:53,692,149, G>A on the plus strand (C>T on the coding strand, the complement: RPGRIP1L is on the minus strand). VCF-style: chr16-53692149-G-A. GRCh37 (hg19) VCF-style: chr16-53726061-G-A.
Other names: c.446C>T, p.Pro149Leu (NM_001127897.4, NM_001308334.3, NM_001330538.2); short protein forms P149L.
Identifiers: ClinVar variation 866243 (VCV000866243.6), dbSNP rs1406955571, ClinGen allele CA395924786.